The following is an entry in ClinVar:

NM_001042492.3(NF1):c.749T>G (p.Phe250Cys)

Gene: NF1 (neurofibromin 1; plus strand). Cytogenetic location: 17q11.2.
Variant type: single nucleotide variant.
Coding change: c.749T>G on transcript NM_001042492.3 (MANE Select); coding-DNA position 749, T replaced by G.
Protein change: p.Phe250Cys; replaces phenylalanine 250 with cysteine.
Molecular consequence: missense variant.
Genome position (GRCh38, 1-based): chr17:31,182,526, T>G. VCF-style: chr17-31182526-T-G. GRCh37 (hg19) VCF-style: chr17-29509544-T-G.
Other names: c.749T>G, p.Phe250Cys (NM_000267.4, NM_001128147.3); short protein forms F250C.
Identifiers: ClinVar variation 4996850 (VCV004996850.1).

ClinVar aggregate classification (germline): Uncertain significance (1 of 4 stars; one submission).

Conditions:
NF1-related disorder. Also called: NF1-related condition. Identifiers: MedGen CN379171.

Submission:

PreventionGenetics, part of Exact Sciences
Classification: Uncertain significance for NF1-related condition. Last evaluated: 2025-03-29. Review status: criteria provided, single submitter. Criteria: ACMG Guidelines, 2015. Collection method: clinical testing. Allele origin: germline.
Comment: The NF1 c.749T>G variant is predicted to result in the amino acid substitution p.Phe250Cys. To our knowledge, this variant has not been reported in the literature or in a large population database (gnomAD), indicating this variant is rare. At the time of reporting, this variant is absent from the ClinVar database. At this time, the clinical significance of this variant is uncertain due to the absence of conclusive functional and genetic evidence.